The following is an entry in ClinVar:

NM_003036.4(SKI):c.907T>C (p.Cys303Arg)

Gene: SKI (SKI proto-oncogene; plus strand). Cytogenetic location: 1p36.33.
Variant type: single nucleotide variant.
Coding change: c.907T>C on transcript NM_003036.4 (MANE Select); coding-DNA position 907, T replaced by C.
Protein change: p.Cys303Arg; replaces cysteine 303 with arginine.
Molecular consequence: missense variant.
Genome position (GRCh38, 1-based): chr1:2,229,673, T>C. VCF-style: chr1-2229673-T-C. GRCh37 (hg19) VCF-style: chr1-2161112-T-C.
Other names: short protein forms C303R.
Identifiers: ClinVar variation 4864534 (VCV004864534.2).

ClinVar aggregate classification (germline): Uncertain significance. Review status: criteria provided, multiple submitters, no conflicts (2 of 4 stars). 2 submissions from 2 submitters: Uncertain significance (2). Last evaluated 2026-05-14.

Conditions:
Familial thoracic aortic aneurysm and aortic dissection (TAAD). Also called: Thoracic aortic aneurysms and dissections. Identifiers: Orphanet 91387, MedGen C4707243, MONDO:0019625.

gnomAD v4.1: 10 of 1,608,092 alleles (0.00062%); highest among the groups gnomAD compares: Non-Finnish European, 0.00085%; no homozygotes.

Submissions (2):

Ambry Genetics
Classification: Uncertain significance for Familial thoracic aortic aneurysm and aortic dissection. Last evaluated: 2026-05-14. Review status: criteria provided, single submitter. Criteria: Ambry Variant Classification Scheme 2023. Collection method: clinical testing. Allele origin: germline.
Comment: The p.C303R variant (also known as c.907T>C), located in coding exon 1 of the SKI gene, results from a T to C substitution at nucleotide position 907. The cysteine at codon 303 is replaced by arginine, an amino acid with highly dissimilar properties. This amino acid position is conserved. In addition, the in silico prediction for this alteration is inconclusive. Based on the available evidence, the clinical significance of this variant remains unclear.

Blueprint Genetics
Classification: Uncertain significance. Last evaluated: 2024-03-26. Review status: criteria provided, single submitter. Criteria: ACMG Guidelines, 2015. Collection method: clinical testing. Allele origin: germline.